The following is an entry in ClinVar:

ClinVar aggregate classification (germline): Conflicting classifications of pathogenicity. Review status: criteria provided, conflicting classifications (1 of 4 stars). 3 submissions from 3 submitters: Uncertain significance (2); Benign (1). Last evaluated 2026-07-18.

Conditions:
Inborn genetic diseases. Identifiers: MedGen C0950123, MeSH D030342.
SACS-related disorder. Also called: SACS-related condition.
Spastic paraplegia. Identifiers: MedGen C0037772, HP:0001258.

Allele frequency attached by ClinVar (database versions not stated): ExAC 0.00001; gnomAD 0.00001; TOPMed 0.00002; gnomAD exomes 0.00003; 1000 Genomes Project 0.00020; 1000 Genomes Project 30x 0.00031.
gnomAD v4.1: 40 of 1,612,722 alleles (0.0025%); highest among the groups gnomAD compares: African/African-American, 0.004%; no homozygotes.

Submissions (3):

PreventionGenetics, part of Exact Sciences
Classification: Uncertain significance for SACS-related condition. Last evaluated: 2026-07-18. Review status: criteria provided, single submitter. Criteria: ACMG Guidelines, 2015. Collection method: clinical testing. Allele origin: germline.
Comment: The SACS c.7912T>C variant is predicted to result in the amino acid substitution p.Phe2638Leu. To our knowledge, this variant has not been reported in the literature. This variant is reported in 0.0080% of alleles in individuals of African descent in gnomAD. At this time, the clinical significance of this variant is uncertain due to the absence of conclusive functional and genetic evidence.

Labcorp Genetics (formerly Invitae), Labcorp
Classification: Benign for Spastic paraplegia. Last evaluated: 2026-01-13. Review status: criteria provided, single submitter. Criteria: Invitae Variant Classification Sherloc (09022015). Collection method: clinical testing. Allele origin: germline.

Ambry Genetics
Classification: Uncertain significance for Inborn genetic diseases. Last evaluated: 2025-08-14. Review status: criteria provided, single submitter. Criteria: Ambry Variant Classification Scheme 2023. Collection method: clinical testing. Allele origin: germline.

NM_014363.6(SACS):c.7912T>C (p.Phe2638Leu)

Gene: SACS (sacsin molecular chaperone; minus strand). Cytogenetic location: 13q12.12.
Variant type: single nucleotide variant.
Coding change: c.7912T>C on transcript NM_014363.6 (MANE Select); coding-DNA position 7912, T replaced by C.
Protein change: p.Phe2638Leu; replaces phenylalanine 2638 with leucine.
Molecular consequence: missense variant.
Genome position (GRCh38, 1-based): chr13:23,335,964, A>G on the plus strand (T>C on the coding strand, the complement: SACS is on the minus strand). VCF-style: chr13-23335964-A-G. GRCh37 (hg19) VCF-style: chr13-23910103-A-G.
Other names: c.7471T>C, p.Phe2491Leu (NM_001278055.2); c.7912T>C (NM_014363.5, NM_014363.4); short protein forms F2638L, F2491L.
Identifiers: ClinVar variation 1941799 (VCV001941799.7), dbSNP rs201711319, ClinGen allele CA6910853.
Genomic context (GRCh38, chr13:23,335,964, plus strand): 5'-CCCCTGGTGCATATCTGGCATGAGGATCAAAAATACACAGGATGTCATTGCCAGAAATAA[A>G]AGATGGGCAGTCTGTGATATGATACACAGAATTGAATCCTATTCCATACTGTCCAGTTTT-3'
Protein context (NP_055178.3, residues 2628-2648): SVYHITDCPS[Phe2638Leu]ISGNDILCIF